The following is an entry in ClinVar:

NM_020297.4(ABCC9):c.4166T>C (p.Leu1389Pro)

Genes: ABCC9 (ATP binding cassette subfamily C member 9; minus strand), KCNJ8-AS1 (KCNJ8 antisense RNA 1; plus strand). Cytogenetic location: 12p12.1.
Variant type: single nucleotide variant.
Coding change: c.4166T>C on transcript NM_020297.4 (MANE Select); coding-DNA position 4166, T replaced by C.
Protein change: p.Leu1389Pro; replaces leucine 1389 with proline.
Molecular consequence: missense variant.
Genome position (GRCh38, 1-based): chr12:21,812,094, A>G on the plus strand (T>C on the coding strand, the complement: ABCC9 is on the minus strand). VCF-style: chr12-21812094-A-G. GRCh37 (hg19) VCF-style: chr12-21965028-A-G.
Other names: c.4166T>C, p.Leu1389Pro (NM_001377273.1, NM_005691.4); c.3299T>C, p.Leu1100Pro (NM_001377274.1); c.4166T>C (NM_005691.2); short protein forms L1389P, L1100P.
Identifiers: ClinVar variation 1521004 (VCV001521004.9), dbSNP rs2137148663, ClinGen allele CA384134859.

ClinVar aggregate classification (germline): Uncertain significance. Review status: criteria provided, multiple submitters, no conflicts (2 of 4 stars). 2 submissions from 2 submitters: Uncertain significance (2). Last evaluated 2026-03-11.

Conditions:
Dilated cardiomyopathy 1O (CMD1O). Also called: CARDIOMYOPATHY, DILATED, WITH VENTRICULAR TACHYCARDIA. Identifiers: Orphanet 154, MedGen C1837839, MONDO:0012062, OMIM 608569.
Cardiovascular phenotype. Identifiers: MedGen CN230736.

Submissions (2):

Ambry Genetics
Classification: Uncertain significance for Cardiovascular phenotype. Last evaluated: 2026-03-11. Review status: criteria provided, single submitter. Criteria: Ambry Variant Classification Scheme 2023. Collection method: clinical testing. Allele origin: germline.
Comment: The p.L1389P variant (also known as c.4166T>C), located in coding exon 34 of the ABCC9 gene, results from a T to C substitution at nucleotide position 4166. The leucine at codon 1389 is replaced by proline, an amino acid with similar properties. This amino acid position is conserved. In addition, this alteration is predicted to be deleterious by in silico analysis. Based on the available evidence, the clinical significance of this variant remains unclear.

Labcorp Genetics (formerly Invitae), Labcorp
Classification: Uncertain significance for Dilated cardiomyopathy 1O. Last evaluated: 2021-03-28. Review status: criteria provided, single submitter. Criteria: Invitae Variant Classification Sherloc (09022015). Collection method: clinical testing. Allele origin: germline.
Comment: In summary, the available evidence is currently insufficient to determine the role of this variant in disease. Therefore, it has been classified as a Variant of Uncertain Significance. Algorithms developed to predict the effect of missense changes on protein structure and function are either unavailable or do not agree on the potential impact of this missense change (SIFT: "Deleterious"; PolyPhen-2: "Probably Damaging"; Align-GVGD: "Class C0"). This variant has not been reported in the literature in individuals with ABCC9-related conditions. This variant is not present in population databases (ExAC no frequency). This sequence change replaces leucine with proline at codon 1389 of the ABCC9 protein (p.Leu1389Pro). The leucine residue is moderately conserved and there is a moderate physicochemical difference between leucine and proline.